The following is an entry in ClinVar:

ClinVar aggregate classification (germline): Pathogenic (1 of 4 stars; one submission).

Conditions:
Abetalipoproteinaemia (ABL). Also called: MTP DEFICIENCY; Abetalipoproteinemia; Abetalipoproteinemia neuropathy; Apolipoprotein B deficiency; Congenital betalipoprotein deficiency syndrome. Identifiers: Orphanet 14, MedGen C0000744, MONDO:0008692, OMIM 200100, HP:0008181.

Submission:

Myriad Genetics, Inc.
Classification: Pathogenic for Abetalipoproteinaemia. Last evaluated: 2024-05-14. Review status: criteria provided, single submitter. Criteria: Myriad Autosomal Dominant, Autosomal Recessive and X-Linked Classification Criteria (2023). Collection method: clinical testing. Allele origin: unknown.
Comment: NM_000253.2(MTTP):c.1690dupA(I564Nfs*10) is expected to be pathogenic in the context of abetalipoproteinemia. This variant is predicted to lead to an abnormal or absent protein product due to the creation of a premature termination codon in MTTP, a gene where loss-of-function variants are known to be pathogenic. Please note: this variant was assessed in the context of healthy population screening.

NM_001386140.1(MTTP):c.1690dup (p.Ile564fs)

Gene: MTTP (microsomal triglyceride transfer protein; plus strand). Cytogenetic location: 4q23.
Variant type: Duplication.
Coding change: c.1690dup on transcript NM_001386140.1 (MANE Select); coding-DNA position 1690, one base duplicated (A; older notation c.1690dupA).
Protein change: p.Ile564fs; shifts the reading frame from isoleucine 564.
Molecular consequence: frameshift variant.
Genome position (GRCh38, 1-based): chr4:99,608,898, A duplicated. VCF-style (leftmost placement, unchanged base first): chr4-99608897-T-TA. GRCh37 (hg19) VCF-style: chr4-100530054-T-TA.
Other names: c.1690dup, p.Ile564fs (NM_000253.4); c.1441dup, p.Ile481fs (NM_001300785.2); short protein forms I481fs, I564fs.
Identifiers: ClinVar variation 5012583 (VCV005012583.1).